The following is an entry in ClinVar:

NM_198578.4(LRRK2):c.378T>A (p.Asn126Lys)

Gene: LRRK2 (leucine rich repeat kinase 2; plus strand). Cytogenetic location: 12q12.
Variant type: single nucleotide variant.
Coding change: c.378T>A on transcript NM_198578.4 (MANE Select); coding-DNA position 378, T replaced by A.
Protein change: p.Asn126Lys; replaces asparagine 126 with lysine.
Molecular consequence: missense variant.
Genome position (GRCh38, 1-based): chr12:40,235,656, T>A. VCF-style: chr12-40235656-T-A. GRCh37 (hg19) VCF-style: chr12-40629458-T-A.
Other names: short protein forms N126K.
Identifiers: ClinVar variation 1734940 (VCV001734940.2), dbSNP rs2499403067, ClinGen allele CA384402753.

ClinVar aggregate classification (germline): Uncertain significance (1 of 4 stars; one submission).

Conditions:
Inborn genetic diseases. Identifiers: MedGen C0950123, MeSH D030342.

Submission:

Ambry Genetics
Classification: Uncertain significance for Inborn genetic diseases. Last evaluated: 2021-06-14. Review status: criteria provided, single submitter. Criteria: Ambry Variant Classification Scheme 2023. Collection method: clinical testing. Allele origin: germline.
Comment: The p.N126K variant (also known as c.378T>A), located in coding exon 4 of the LRRK2 gene, results from a T to A substitution at nucleotide position 378. The asparagine at codon 126 is replaced by lysine, an amino acid with similar properties. This amino acid position is conserved. In addition, this alteration is predicted to be tolerated by in silico analysis. Since supporting evidence is limited at this time, the clinical significance of this alteration remains unclear.